The following is an entry in ClinVar:

ClinVar aggregate classification (germline): Benign/Likely benign. Review status: criteria provided, multiple submitters, no conflicts (2 of 4 stars). 12 submissions from 12 submitters: Benign (9); Likely benign (1). 2 of the submissions do not count toward it. Last evaluated 2026-02-04.

Conditions:
Aicardi-Goutieres syndrome 6 (AGS6). Identifiers: Orphanet 51, MedGen C3539013, MONDO:0014007, OMIM 615010.
Symmetrical dyschromatosis of extremities (DSH). Also called: RETICULATE ACROPIGMENTATION OF DOHI; SYMMETRIC DYSCHROMATOSIS OF THE EXTREMITIES; DYSCHROMATOSIS SYMMETRICA HEREDITARIA 1; Dyschromatosis symmetrica hereditaria. Identifiers: Orphanet 41, MedGen C0406775, MONDO:0007483, OMIM 127400.

Allele frequency attached by ClinVar (database versions not stated): gnomAD exomes 0.27121; ExAC 0.27447; 1000 Genomes Project 0.28095; 1000 Genomes Project 30x 0.28170; TOPMed 0.28378; gnomAD 0.29107 and 0.29372; ESP Exome Variant Server 0.29802.
gnomAD v4.1: 464,774 of 1,611,136 alleles (29%); highest among the groups gnomAD compares: African/African-American, 30%; 68,238 homozygotes.

Submissions (12):

Labcorp Genetics (formerly Invitae), Labcorp
Classification: Benign for Aicardi-Goutieres syndrome 6; Symmetrical dyschromatosis of extremities. Last evaluated: 2026-02-04. Review status: criteria provided, single submitter. Criteria: Invitae Variant Classification Sherloc (09022015). Collection method: clinical testing. Allele origin: germline.

Women's Health and Genetics/Laboratory Corporation of America, LabCorp
Classification: Benign. Last evaluated: 2026-01-21. Review status: criteria provided, single submitter. Criteria: LabCorp Variant Classification Summary - May 2015. Collection method: clinical testing. Allele origin: germline.

Blueprint Genetics
Classification: Likely benign. Last evaluated: 2024-11-26. Review status: criteria provided, single submitter. Criteria: ACMG Guidelines, 2015. Collection method: clinical testing. Allele origin: germline.

Unidad de Genómica Garrahan, Hospital de Pediatría Garrahan
Classification: Benign. Last evaluated: 2023-11-12. Review status: criteria provided, single submitter. Criteria: ACMG Guidelines, 2015. Collection method: clinical testing. Allele origin: germline. Affected: no. Observed: 44 variant alleles.
Comment: This variant is classified as Benign based on local population frequency. This variant was detected in 46% of patients studied by a panel of primary immunodeficiencies. Number of patients: 44. Only high quality variants are reported.

Mayo Clinic Laboratories, Mayo Clinic
Classification: Benign. Last evaluated: 2023-09-11. Review status: criteria provided, single submitter. Criteria: ACMG Guidelines, 2015. Collection method: clinical testing. Allele origin: germline. Observed: 205 variant alleles.
Comment: BA1, BS2, BP4, BP7

Genome-Nilou Lab
Classification: Benign for Aicardi-Goutieres syndrome 6. Last evaluated: 2023-04-11. Review status: criteria provided, single submitter. Criteria: ACMG Guidelines, 2015. Collection method: clinical testing. Allele origin: germline. Affected: no.

GeneDx
Classification: Benign. Last evaluated: 2018-08-15. Review status: criteria provided, single submitter. Criteria: GeneDx Variant Classification Process June 2021. Collection method: clinical testing. Allele origin: germline. Affected: yes.
Comment: This variant is associated with the following publications: (PMID: 31423758)

Illumina Laboratory Services, Illumina
Classification: Benign for Symmetrical dyschromatosis of extremities. Last evaluated: 2018-01-12. Review status: criteria provided, single submitter. Criteria: ICSL Variant Classification Criteria 13 December 2019. Collection method: clinical testing. Allele origin: germline.
Comment: This variant was observed in the ICSL laboratory as part of a predisposition screen in an ostensibly healthy population. It had not been previously curated by ICSL or reported in the Human Gene Mutation Database (HGMD: prior to June 1st, 2018), and was therefore a candidate for classification through an automated scoring system. Utilizing variant allele frequency, disease prevalence and penetrance estimates, and inheritance mode, an automated score was calculated to assess if this variant is too frequent to cause the disease. Based on the score and internal cut-off values, a variant classified as benign is not then subjected to further curation. The score for this variant resulted in a classification of benign for this disease.

Breakthrough Genomics
Classification: Benign. Review status: criteria provided, single submitter. Criteria: ACMG Guidelines, 2015. Collection method: not provided. Allele origin: germline. Inheritance: Autosomal recessive inheritance. Affected: yes.

PreventionGenetics, part of Exact Sciences
Classification: Benign. Review status: criteria provided, single submitter. Criteria: ACMG Guidelines, 2015. Collection method: clinical testing. Allele origin: germline.

Diagnostic Laboratory, Department of Genetics, University Medical Center Groningen
Classification: Benign. Review status: no assertion criteria provided. Collection method: clinical testing. Allele origin: germline. Affected: yes. Study: VKGL Data-share Consensus. Not counted in ClinVar's aggregate classification.

Joint Genome Diagnostic Labs from Nijmegen and Maastricht, Radboudumc and MUMC+
Classification: Benign. Review status: no assertion criteria provided. Collection method: clinical testing. Allele origin: germline. Affected: yes. Study: VKGL Data-share Consensus. Not counted in ClinVar's aggregate classification.

NM_001111.5(ADAR):c.2682G>A (p.Val894=)

Genes: ADAR (adenosine deaminase RNA specific; minus strand), LOC126805874 (CDK7 strongly-dependent group 2 enhancer GRCh37_chr1:154561176-154562375; plus strand). Cytogenetic location: 1q21.3.
Variant type: single nucleotide variant.
Coding change: c.2682G>A on transcript NM_001111.5 (MANE Select); coding-DNA position 2682, G replaced by A.
Protein change: p.Val894=; no amino-acid change (valine 894 retained).
Molecular consequence: synonymous variant.
Genome position (GRCh38, 1-based): chr1:154,589,449, C>T on the plus strand (G>A on the coding strand, the complement: ADAR is on the minus strand). VCF-style: chr1-154589449-C-T. GRCh37 (hg19) VCF-style: chr1-154561925-C-T.
Other names: p.Val894=; c.2682G>A, p.Val894= (LRG_1212t1); c.1797G>A, p.Val599= (NM_001025107.3, NM_001193495.2, NM_001365046.1 and 2 more transcripts); c.2709G>A, p.Val903= (NM_001365045.1); c.1719G>A, p.Val573= (NM_001365049.1); c.2604G>A, p.Val868= (NM_015840.4); c.2547G>A, p.Val849= (NM_015841.4).
Identifiers: ClinVar variation 257474 (VCV000257474.30), dbSNP rs1127309, ClinGen allele CA1131170.
Genomic context (GRCh38, chr1:154,589,449, plus strand): 5'-GATTATTTCTGCATGGCAGTCATTGACAGTTTCTCCTTTTAGGCTGAGAGAATCTCCTTT[C>T]ACACAGCGATTCCCTAGGAAGGTGTTTAAAACAGAAATAGAATAATGGAAGGAAACCGAT-3'
Protein context (NP_001102.3, residues 884-904): VVSLGTGNRC[Val894=]KGDSLSLKGE